The following is an entry in ClinVar:

ClinVar aggregate classification (germline): Pathogenic (1 of 4 stars; one submission).

Submission:

Labcorp Genetics (formerly Invitae), Labcorp
Classification: Pathogenic. Last evaluated: 2021-11-07. Review status: criteria provided, single submitter. Criteria: Invitae Variant Classification Sherloc (09022015). Collection method: clinical testing. Allele origin: germline.
Comment: For these reasons, this variant has been classified as Pathogenic. This variant disrupts a region of the SLC12A3 protein in which other variant(s) (p.Met581Lys) have been determined to be pathogenic (PMID: 17699451, 25422309, 30945685, 31672324). This suggests that this is a clinically significant region of the protein, and that variants that disrupt it are likely to be disease-causing. A similar copy number variant has been observed in individual(s) with Gitelman syndrome (PMID: 31672324). This variant is a gross deletion of the genomic region encompassing exon(s) 14 of the SLC12A3 gene. This variant would be expected to be in-frame, preserving the integrity of the reading frame.

Literature cited by the submitters: PubMed 17699451; PubMed 25422309; PubMed 30945685; PubMed 31672324.

NC_000016.9:g.(?_56917770)_(56918126_?)del

Gene: SLC12A3 (solute carrier family 12 member 3; plus strand). Cytogenetic location: 16q13.
Variant type: Deletion.
Identifiers: ClinVar variation 2422924 (VCV002422924.4).